The following is an entry in ClinVar:

ClinVar aggregate classification (germline): Uncertain significance (1 of 4 stars; one submission).

Submission:

Labcorp Genetics (formerly Invitae), Labcorp
Classification: Uncertain significance. Last evaluated: 2025-07-31. Review status: criteria provided, single submitter. Criteria: Invitae Variant Classification Sherloc (09022015). Collection method: clinical testing. Allele origin: germline.
Comment: This sequence change replaces alanine, which is neutral and non-polar, with threonine, which is neutral and polar, at codon 36 of the WDR11 protein (p.Ala36Thr). This variant is not present in population databases (gnomAD no frequency). This variant has not been reported in the literature in individuals affected with WDR11-related conditions. An algorithm developed to predict the effect of missense changes on protein structure and function (PolyPhen-2) suggests that this variant is likely to be disruptive. In summary, the available evidence is currently insufficient to determine the role of this variant in disease. Therefore, it has been classified as a Variant of Uncertain Significance.

NM_018117.12(WDR11):c.106G>A (p.Ala36Thr)

Gene: WDR11 (WD repeat domain 11; plus strand). Cytogenetic location: 10q26.12.
Variant type: single nucleotide variant.
Coding change: c.106G>A on transcript NM_018117.12 (MANE Select); coding-DNA position 106, G replaced by A.
Protein change: p.Ala36Thr; replaces alanine 36 with threonine.
Molecular consequence: missense variant.
Genome position (GRCh38, 1-based): chr10:120,852,543, G>A. VCF-style: chr10-120852543-G-A. GRCh37 (hg19) VCF-style: chr10-122612055-G-A.
Other names: short protein forms A36T.
Identifiers: ClinVar variation 4780550 (VCV004780550.1).